The following is an entry in ClinVar:

ClinVar aggregate classification (germline): Uncertain significance (1 of 4 stars; one submission).

Submission:

Mayo Clinic Laboratories, Mayo Clinic
Classification: Uncertain significance. Last evaluated: 2025-12-10. Review status: criteria provided, single submitter. Criteria: ACMG Guidelines, 2015. Collection method: clinical testing. Allele origin: germline. Observed: 1 variant allele.
Comment: BP4, PM2_supporting

NM_000341.4(SLC3A1):c.153C>G (p.Ile51Met)

Gene: SLC3A1 (solute carrier family 3 member 1; plus strand). Cytogenetic location: 2p21.
Variant type: single nucleotide variant.
Coding change: c.153C>G on transcript NM_000341.4 (MANE Select); coding-DNA position 153, C replaced by G.
Protein change: p.Ile51Met; replaces isoleucine 51 with methionine.
Molecular consequence: missense variant.
Genome position (GRCh38, 1-based): chr2:44,275,688, C>G. VCF-style: chr2-44275688-C-G. GRCh37 (hg19) VCF-style: chr2-44502827-C-G.
Other names: p.Ile51Met; short protein forms I51M.
Identifiers: ClinVar variation 4540646 (VCV004540646.1).